The following is an entry in ClinVar:

ClinVar aggregate classification (germline): Uncertain significance (1 of 4 stars; one submission).

gnomAD v4.1: 2 of 1,614,220 alleles (0.00012%); highest among the groups gnomAD compares: Non-Finnish European, 0.00017%; no homozygotes.

Submission:

GeneDx
Classification: Uncertain significance. Last evaluated: 2021-03-23. Review status: criteria provided, single submitter. Criteria: GeneDx Variant Classification Process June 2021. Collection method: clinical testing. Allele origin: germline. Affected: yes.
Comment: Not observed in large population cohorts (Lek et al., 2016); In silico analysis supports that this missense variant does not alter protein structure/function; Has not been previously published as pathogenic or benign to our knowledge

NM_001273.5(CHD4):c.4951G>C (p.Asp1651His)

Genes: CHD4 (chromodomain helicase DNA binding protein 4; minus strand), CHD4-AS1 (CHD4 antisense RNA 1; plus strand). Cytogenetic location: 12p13.31.
Variant type: single nucleotide variant.
Coding change: c.4951G>C on transcript NM_001273.5 (MANE Select); coding-DNA position 4951, G replaced by C.
Protein change: p.Asp1651His; replaces aspartic acid 1651 with histidine.
Molecular consequence: missense variant.
Genome position (GRCh38, 1-based): chr12:6,578,876, C>G on the plus strand (G>C on the coding strand, the complement: CHD4 is on the minus strand). VCF-style: chr12-6578876-C-G. GRCh37 (hg19) VCF-style: chr12-6688042-C-G.
Other names: c.4930G>C, p.Asp1644His (NM_001297553.2); c.4918G>C, p.Asp1640His (NM_001363606.2); short protein forms D1640H, D1644H, D1651H.
Identifiers: ClinVar variation 1304263 (VCV001304263.2), dbSNP rs757879181, ClinGen allele CA383568182.
Genomic context (GRCh38, chr12:6,578,876, plus strand): 5'-GAACCACAATCAACTTCTCCAAACACCCACCTTTGTCTTCTACCACAATAGGGGTCAGAT[C>G]TATTGCTGACTTTTCCTCCACCTTCTCTACATCAGCAGCACCTAGGGGAAGAAATGTTAT-3'
Protein context (NP_001264.2, residues 1641-1661): VEKVEEKSAI[Asp1651His]LTPIVVEDKE